The following is an entry in ClinVar:

NM_005477.3(HCN4):c.3288C>T (p.Asp1096=)

Gene: HCN4 (hyperpolarization activated cyclic nucleotide gated potassium channel 4; minus strand). Cytogenetic location: 15q24.1.
Variant type: single nucleotide variant.
Coding change: c.3288C>T on transcript NM_005477.3 (MANE Select); coding-DNA position 3288, C replaced by T.
Protein change: p.Asp1096=; no amino-acid change (aspartic acid 1096 retained).
Molecular consequence: synonymous variant.
Genome position (GRCh38, 1-based): chr15:73,322,805, G>A on the plus strand (C>T on the coding strand, the complement: HCN4 is on the minus strand). VCF-style: chr15-73322805-G-A. GRCh37 (hg19) VCF-style: chr15-73615146-G-A.
Other names: p.D1096D:GAC>GAT; p.Asp1096=.
Identifiers: ClinVar variation 167169 (VCV000167169.29), dbSNP rs116042117, ClinGen allele CA180107.

ClinVar aggregate classification (germline): Benign. Review status: criteria provided, multiple submitters, no conflicts (2 of 4 stars). 11 submissions from 11 submitters: Benign (11). Last evaluated 2026-02-03.

Conditions:
Cardiovascular phenotype. Identifiers: MedGen CN230736.
Sick sinus syndrome 2, autosomal dominant (SSS2). Also called: ATRIAL FIBRILLATION WITH BRADYARRHYTHMIA; SICK SINUS SYNDROME 2; SICK SINUS SYNDROME 2 WITH OR WITHOUT CARDIAC NONCOMPACTION AND/OR ASCENDING AORTA DILATION; SINUS BRADYCARDIA SYNDROME, FAMILIAL, AUTOSOMAL DOMINANT; SINUS NODE DISEASE, FAMILIAL, AUTOSOMAL DOMINANT. Identifiers: Orphanet 166282, MedGen C1834144, MONDO:0008102, OMIM 163800.
Brugada syndrome 8 (BRGDA8). Identifiers: Orphanet 130, MedGen C2751083, MONDO:0013148, OMIM 613123.

Allele frequency attached by ClinVar (database versions not stated): gnomAD exomes 0.00071 and 0.00168; ESP Exome Variant Server 0.00385; gnomAD 0.00461 and 0.00490; TOPMed 0.00502; ExAC 0.00509; 1000 Genomes Project 0.00719; 1000 Genomes Project 30x 0.00750.
gnomAD v4.1: 1,733 of 1,538,632 alleles (0.11%); highest among the groups gnomAD compares: African/African-American, 1.5%; 13 homozygotes.

Submissions (11):

Labcorp Genetics (formerly Invitae), Labcorp
Classification: Benign for Brugada syndrome 8. Last evaluated: 2026-02-03. Review status: criteria provided, single submitter. Criteria: Invitae Variant Classification Sherloc (09022015). Collection method: clinical testing. Allele origin: germline.

Women's Health and Genetics/Laboratory Corporation of America, LabCorp
Classification: Benign. Last evaluated: 2025-04-14. Review status: criteria provided, single submitter. Criteria: LabCorp Variant Classification Summary - May 2015. Collection method: clinical testing. Allele origin: germline.

Molecular Diagnostic Laboratory for Inherited Cardiovascular Disease, Montreal Heart Institute
Classification: Benign. Last evaluated: 2025-04-09. Review status: criteria provided, single submitter. Criteria: ACMG Guidelines, 2015. Collection method: clinical testing. Allele origin: germline. Affected: no.

ARUP Laboratories, Molecular Genetics and Genomics, ARUP Laboratories
Classification: Benign. Last evaluated: 2025-04-02. Review status: criteria provided, single submitter. Criteria: ARUP Molecular Germline Variant Investigation Process 2024. Collection method: clinical testing. Allele origin: germline.

Mayo Clinic Laboratories, Mayo Clinic
Classification: Benign. Last evaluated: 2023-02-03. Review status: criteria provided, single submitter. Criteria: ACMG Guidelines, 2015. Collection method: clinical testing. Allele origin: germline. Observed: 6 variant alleles.
Comment: BS1, BS2, BP4, BP7

Athena Diagnostics
Classification: Benign. Last evaluated: 2018-11-21. Review status: criteria provided, single submitter. Criteria: Athena Diagnostics Criteria. Collection method: clinical testing. Allele origin: germline.

Illumina Laboratory Services, Illumina
Classification: Benign for Sick sinus syndrome 2, autosomal dominant. Last evaluated: 2018-01-13. Review status: criteria provided, single submitter. Criteria: ICSL Variant Classification Criteria 13 December 2019. Collection method: clinical testing. Allele origin: germline.
Comment: This variant was observed in the ICSL laboratory as part of a predisposition screen in an ostensibly healthy population. It had not been previously curated by ICSL or reported in the Human Gene Mutation Database (HGMD: prior to June 1st, 2018), and was therefore a candidate for classification through an automated scoring system. Utilizing variant allele frequency, disease prevalence and penetrance estimates, and inheritance mode, an automated score was calculated to assess if this variant is too frequent to cause the disease. Based on the score and internal cut-off values, a variant classified as benign is not then subjected to further curation. The score for this variant resulted in a classification of benign for this disease.

Eurofins Ntd Llc (ga)
Classification: Benign. Last evaluated: 2016-04-19. Review status: criteria provided, single submitter. Criteria: EGL Classification Definitions 2015. Collection method: clinical testing. Allele origin: germline. Observed: 2 variant alleles, 2 heterozygotes.

Ambry Genetics
Classification: Benign for Cardiovascular phenotype. Last evaluated: 2015-06-03. Review status: criteria provided, single submitter. Criteria: Ambry Variant Classification Scheme 2023. Collection method: clinical testing. Allele origin: germline.

GeneDx
Classification: Benign. Last evaluated: 2014-01-06. Review status: criteria provided, single submitter. Criteria: GeneDx Variant Classification (06012015). Collection method: clinical testing. Allele origin: germline. Affected: yes.
Comment: This variant is considered likely benign or benign based on one or more of the following criteria: it is a conservative change, it occurs at a poorly conserved position in the protein, it is predicted to be benign by multiple in silico algorithms, and/or has population frequency not consistent with disease.

Breakthrough Genomics
Classification: Benign. Review status: criteria provided, single submitter. Criteria: ACMG Guidelines, 2015. Collection method: not provided. Allele origin: germline. Inheritance: Autosomal dominant inheritance. Affected: yes.